The following is an entry in ClinVar:

NM_005732.4(RAD50):c.2503A>T (p.Lys835Ter)

Gene: RAD50 (RAD50 double strand break repair protein; plus strand). Cytogenetic location: 5q31.1.
Variant type: single nucleotide variant.
Coding change: c.2503A>T on transcript NM_005732.4 (MANE Select); coding-DNA position 2503, A replaced by T.
Protein change: p.Lys835Ter; replaces lysine 835 with a stop codon.
Molecular consequence: nonsense.
Genome position (GRCh38, 1-based): chr5:132,604,025, A>T. VCF-style: chr5-132604025-A-T. GRCh37 (hg19) VCF-style: chr5-131939717-A-T.
Other names: short protein forms K835*.
Identifiers: ClinVar variation 2821562 (VCV002821562.3), dbSNP rs2479666473, ClinGen allele CA360955839.

ClinVar aggregate classification (germline): Pathogenic (1 of 4 stars; one submission).

Conditions:
Hereditary cancer-predisposing syndrome. Also called: Neoplastic Syndromes, Hereditary; Hereditary neoplastic syndrome; Tumor predisposition; Hereditary Cancer Syndrome. Identifiers: Orphanet 140162, MedGen C0027672, MeSH D009386, MONDO:0015356.

Submission:

Labcorp Genetics (formerly Invitae), Labcorp
Classification: Pathogenic for Hereditary cancer-predisposing syndrome. Last evaluated: 2022-12-16. Review status: criteria provided, single submitter. Criteria: Invitae Variant Classification Sherloc (09022015). Collection method: clinical testing. Allele origin: germline.
Comment: For these reasons, this variant has been classified as Pathogenic. This variant has not been reported in the literature in individuals affected with RAD50-related conditions. This variant is not present in population databases (gnomAD no frequency). This sequence change creates a premature translational stop signal (p.Lys835*) in the RAD50 gene. It is expected to result in an absent or disrupted protein product. Loss-of-function variants in RAD50 are known to be pathogenic (PMID: 19409520).

Literature cited by the submitters: PubMed 19409520.